The following is an entry in ClinVar:

NM_001395159.1(UNC79):c.103A>T (p.Ile35Phe)

Gene: UNC79 (unc-79 homolog, NALCN channel complex subunit; plus strand). Cytogenetic location: 14q32.12.
Variant type: single nucleotide variant.
Coding change: c.103A>T on transcript NM_001395159.1 (MANE Select); coding-DNA position 103, A replaced by T.
Protein change: p.Ile35Phe; replaces isoleucine 35 with phenylalanine.
Molecular consequence: missense variant. On other transcripts: 5 prime UTR variant (1).
Genome position (GRCh38, 1-based): chr14:93,467,751, A>T. VCF-style: chr14-93467751-A-T. GRCh37 (hg19) VCF-style: chr14-93934097-A-T.
Other names: c.103A>T, p.Ile35Phe (NM_001346218.2); c.-270A>T (NM_020818.5); short protein forms I35F.
Identifiers: ClinVar variation 3061282 (VCV003061282.2), dbSNP rs2547902476, ClinGen allele CA391146039.

ClinVar aggregate classification (germline): Uncertain significance (0 of 4 stars; one submission).

Conditions:
UNC79-related disorder. Also called: UNC79-related condition.

Submission:

PreventionGenetics, part of Exact Sciences
Classification: Uncertain significance for UNC79-related condition. Last evaluated: 2024-02-28. Review status: no assertion criteria provided. Collection method: clinical testing. Allele origin: germline.
Comment: The UNC79 c.103A>T variant is predicted to result in the amino acid substitution p.Ile35Phe. To our knowledge, this variant has not been reported in the literature or in a large population database, indicating this variant is rare. At this time, the clinical significance of this variant is uncertain due to the absence of conclusive functional and genetic evidence.